The following is an entry in ClinVar:

NM_017780.4(CHD7):c.1543C>A (p.Pro515Thr)

Gene: CHD7 (chromodomain helicase DNA binding protein 7; plus strand). Cytogenetic location: 8q12.2.
Variant type: single nucleotide variant.
Coding change: c.1543C>A on transcript NM_017780.4 (MANE Select); coding-DNA position 1543, C replaced by A.
Protein change: p.Pro515Thr; replaces proline 515 with threonine.
Molecular consequence: missense variant.
Genome position (GRCh38, 1-based): chr8:60,742,975, C>A. VCF-style: chr8-60742975-C-A. GRCh37 (hg19) VCF-style: chr8-61655534-C-A.
Other names: c.1543C>A, p.Pro515Thr (NM_001316690.1); short protein forms P515T.
Identifiers: ClinVar variation 985905 (VCV000985905.6), dbSNP rs1210884047, ClinGen allele CA371303382.

ClinVar aggregate classification (germline): Uncertain significance. Review status: criteria provided, multiple submitters, no conflicts (2 of 4 stars). 2 submissions from 2 submitters: Uncertain significance (2). Last evaluated 2023-11-27.

Conditions:
Inborn genetic diseases. Identifiers: MedGen C0950123, MeSH D030342.
CHARGE syndrome (CHARGE). Also called: Hittner Hirsch Kreh syndrome; Coloboma, heart anomaly, choanal atresia, retardation, genital and ear anomalies; CHARGE association; Hall-Hittner syndrome; CHARGE ASSOCIATION--COLOBOMA, HEART ANOMALY, CHOANAL ATRESIA, RETARDATION, GENITAL AND EAR ANOMALIES. Identifiers: Orphanet 138, MedGen C0265354, MONDO:0008965.

gnomAD v4.1: 1 of 1,613,632 alleles (0.000062%); highest among the groups gnomAD compares: Admixed American, 0.0017%; no homozygotes.

Submissions (2):

Labcorp Genetics (formerly Invitae), Labcorp
Classification: Uncertain significance for CHARGE syndrome. Last evaluated: 2023-11-27. Review status: criteria provided, single submitter. Criteria: Invitae Variant Classification Sherloc (09022015). Collection method: clinical testing. Allele origin: germline.
Comment: This sequence change replaces proline, which is neutral and non-polar, with threonine, which is neutral and polar, at codon 515 of the CHD7 protein (p.Pro515Thr). This variant is not present in population databases (gnomAD no frequency). This variant has not been reported in the literature in individuals affected with CHD7-related conditions. ClinVar contains an entry for this variant (Variation ID: 985905). Advanced modeling of protein sequence and biophysical properties (such as structural, functional, and spatial information, amino acid conservation, physicochemical variation, residue mobility, and thermodynamic stability) performed at Invitae indicates that this missense variant is not expected to disrupt CHD7 protein function with a negative predictive value of 95%. In summary, the available evidence is currently insufficient to determine the role of this variant in disease. Therefore, it has been classified as a Variant of Uncertain Significance.

Ambry Genetics
Classification: Uncertain significance for Inborn genetic diseases. Last evaluated: 2018-02-02. Review status: criteria provided, single submitter. Criteria: Ambry Variant Classification Scheme 2023. Collection method: clinical testing. Allele origin: germline.
Comment: The p.P515T variant (also known as c.1543C>A), located in coding exon 1 of the CHD7 gene, results from a C to A substitution at nucleotide position 1543. The proline at codon 515 is replaced by threonine, an amino acid with highly similar properties. This amino acid position is well conserved in available vertebrate species. In addition, this alteration is predicted to be tolerated by in silico analysis. Since supporting evidence is limited at this time, the clinical significance of this alteration remains unclear.